The following is an entry in ClinVar:

ClinVar aggregate classification (germline): Uncertain significance (1 of 4 stars; one submission).

Allele frequency attached by ClinVar (database versions not stated): ExAC 0.00001; gnomAD 0.00002; TOPMed 0.00002.
gnomAD v4.1: 9 of 1,613,380 alleles (0.00056%); highest among the groups gnomAD compares: Admixed American, 0.0067%; no homozygotes.

Submission:

Labcorp Genetics (formerly Invitae), Labcorp
Classification: Uncertain significance. Last evaluated: 2023-11-27. Review status: criteria provided, single submitter. Criteria: Invitae Variant Classification Sherloc (09022015). Collection method: clinical testing. Allele origin: germline.
Comment: This sequence change replaces lysine, which is basic and polar, with asparagine, which is neutral and polar, at codon 924 of the PRPF6 protein (p.Lys924Asn). This variant is present in population databases (rs755367167, gnomAD 0.009%). This variant has not been reported in the literature in individuals affected with PRPF6-related conditions. Advanced modeling of protein sequence and biophysical properties (such as structural, functional, and spatial information, amino acid conservation, physicochemical variation, residue mobility, and thermodynamic stability) performed at Invitae indicates that this missense variant is not expected to disrupt PRPF6 protein function with a negative predictive value of 80%. In summary, the available evidence is currently insufficient to determine the role of this variant in disease. Therefore, it has been classified as a Variant of Uncertain Significance.

NM_012469.4(PRPF6):c.2772G>T (p.Lys924Asn)

Gene: PRPF6 (pre-mRNA processing factor 6; plus strand). Cytogenetic location: 20q13.33.
Variant type: single nucleotide variant.
Coding change: c.2772G>T on transcript NM_012469.4 (MANE Select); coding-DNA position 2772, G replaced by T.
Protein change: p.Lys924Asn; replaces lysine 924 with asparagine.
Molecular consequence: missense variant.
Genome position (GRCh38, 1-based): chr20:64,032,939, G>T. VCF-style: chr20-64032939-G-T. GRCh37 (hg19) VCF-style: chr20-62664292-G-T.
Other names: short protein forms K924N.
Identifiers: ClinVar variation 2961447 (VCV002961447.3), dbSNP rs755367167, ClinGen allele CA9972599.